The following is an entry in ClinVar:

NM_001903.5(CTNNA1):c.2591C>T (p.Pro864Leu)

Gene: CTNNA1 (catenin alpha 1; plus strand). Cytogenetic location: 5q31.2.
Variant type: single nucleotide variant.
Coding change: c.2591C>T on transcript NM_001903.5 (MANE Select); coding-DNA position 2591, C replaced by T.
Protein change: p.Pro864Leu; replaces proline 864 with leucine.
Molecular consequence: missense variant. On other transcripts: 3 prime UTR variant (5).
Genome position (GRCh38, 1-based): chr5:138,933,959, C>T. VCF-style: chr5-138933959-C-T. GRCh37 (hg19) VCF-style: chr5-138269648-C-T.
Other names: c.1346C>T, p.Pro449Leu (NM_001324001.1); c.*136C>T (NM_001324002.1, NM_001324003.1, NM_001324004.1 and 2 more transcripts); c.1142C>T, p.Pro381Leu (NM_001324006.1, NM_001324007.1, NM_001324008.1 and 2 more transcripts); c.1388C>T, p.Pro463Leu (NM_001324011.1); c.2282C>T, p.Pro761Leu (NM_001290309.3); c.2222C>T, p.Pro741Leu (NM_001290310.3); c.1481C>T, p.Pro494Leu (NM_001290312.1, NM_001323987.1, NM_001323988.1 and 12 more transcripts); c.2591C>T, p.Pro864Leu (NM_001323982.2, NM_001323983.1, NM_001323984.2); and 3 more; short protein forms P381L, P413L, P449L, P463L, P494L, P741L, P761L, P833L.
Identifiers: ClinVar variation 1059869 (VCV001059869.9), dbSNP rs2150359533, ClinGen allele CA361135553.
Genomic context (GRCh38, chr5:138,933,959, plus strand): 5'-AAAAGTCACAGGGTATGGCTTCCCTCAACCTTCCTGCTGTGTCATGGAAGATGAAGGCAC[C>T]AGAGAAAAAGCCATTGGTGAAGAGAGAGAAACAGGATGAGACACAGACCAAGATTAAACG-3'
Protein context (NP_001894.2, residues 854-874): LPAVSWKMKA[Pro864Leu]EKKPLVKREK

ClinVar aggregate classification (germline): Uncertain significance (1 of 4 stars; one submission).

Submission:

Labcorp Genetics (formerly Invitae), Labcorp
Classification: Uncertain significance. Last evaluated: 2022-11-15. Review status: criteria provided, single submitter. Criteria: Invitae Variant Classification Sherloc (09022015). Collection method: clinical testing. Allele origin: germline.
Comment: In summary, the available evidence is currently insufficient to determine the role of this variant in disease. Therefore, it has been classified as a Variant of Uncertain Significance. Advanced modeling of protein sequence and biophysical properties (such as structural, functional, and spatial information, amino acid conservation, physicochemical variation, residue mobility, and thermodynamic stability) performed at Invitae indicates that this missense variant is expected to disrupt CTNNA1 protein function. ClinVar contains an entry for this variant (Variation ID: 1059869). This variant has not been reported in the literature in individuals affected with CTNNA1-related conditions. This variant is not present in population databases (gnomAD no frequency). This sequence change replaces proline, which is neutral and non-polar, with leucine, which is neutral and non-polar, at codon 864 of the CTNNA1 protein (p.Pro864Leu).